The following is an entry in ClinVar:

ClinVar aggregate classification (germline): Uncertain significance (1 of 4 stars; one submission).

Conditions:
Congenital contractural arachnodactyly (CCA). Also called: Arthrogryposis, distal, type 9; BEALS SYNDROME; Beals-Hecht syndrome. Identifiers: Orphanet 115, MedGen C0220668, MONDO:0007363, OMIM 121050.

gnomAD v4.1: 3 of 1,614,082 alleles (0.00019%); highest among the groups gnomAD compares: Non-Finnish European, 0.00025%; no homozygotes.

Submission:

Labcorp Genetics (formerly Invitae), Labcorp
Classification: Uncertain significance for Congenital contractural arachnodactyly. Last evaluated: 2025-01-08. Review status: criteria provided, single submitter. Criteria: Invitae Variant Classification Sherloc (09022015). Collection method: clinical testing. Allele origin: germline.
Comment: This sequence change replaces methionine, which is neutral and non-polar, with arginine, which is basic and polar, at codon 2864 of the FBN2 protein (p.Met2864Arg). This variant is not present in population databases (gnomAD no frequency). This variant has not been reported in the literature in individuals affected with FBN2-related conditions. Invitae Evidence Modeling of protein sequence and biophysical properties (such as structural, functional, and spatial information, amino acid conservation, physicochemical variation, residue mobility, and thermodynamic stability) indicates that this missense variant is not expected to disrupt FBN2 protein function with a negative predictive value of 80%. In summary, the available evidence is currently insufficient to determine the role of this variant in disease. Therefore, it has been classified as a Variant of Uncertain Significance.

NM_001999.4(FBN2):c.8591T>G (p.Met2864Arg)

Gene: FBN2 (fibrillin 2; minus strand). Cytogenetic location: 5q23.3.
Variant type: single nucleotide variant.
Coding change: c.8591T>G on transcript NM_001999.4 (MANE Select); coding-DNA position 8591, T replaced by G.
Protein change: p.Met2864Arg; replaces methionine 2864 with arginine.
Molecular consequence: missense variant.
Genome position (GRCh38, 1-based): chr5:128,259,603, A>C on the plus strand (T>G on the coding strand, the complement: FBN2 is on the minus strand). VCF-style: chr5-128259603-A-C. GRCh37 (hg19) VCF-style: chr5-127595295-A-C.
Other names: short protein forms M2864R.
Identifiers: ClinVar variation 3712922 (VCV003712922.2).